The following is an entry in ClinVar:

ClinVar aggregate classification (germline): Uncertain significance (0 of 4 stars; one submission).

Conditions:
ORAI1-related disorder. Also called: ORAI1-related condition.

Submission:

PreventionGenetics, part of Exact Sciences
Classification: Uncertain significance for ORAI1-related condition. Last evaluated: 2024-05-22. Review status: no assertion criteria provided. Collection method: clinical testing. Allele origin: germline.
Comment: The ORAI1 c.68C>G variant is predicted to result in the amino acid substitution p.Thr23Ser. To our knowledge, this variant has not been reported in the literature or in a large population database, indicating this variant is rare. At this time, the clinical significance of this variant is uncertain due to the absence of conclusive functional and genetic evidence.

NM_032790.3(ORAI1):c.68C>G

Genes: ORAI1 (ORAI calcium release-activated calcium modulator 1; plus strand), LOC130008987 (ATAC-STARR-seq lymphoblastoid silent region 4981; plus strand). Cytogenetic location: 12q24.31.
Variant type: single nucleotide variant.
Coding change: c.68C>G on transcript NM_032790.3; coding-DNA position 68, C replaced by G.
Molecular consequence: non-coding transcript variant (on NR_186857.1).
Genome position (GRCh38, 1-based): chr12:121,626,810, C>G. VCF-style: chr12-121626810-C-G. GRCh37 (hg19) VCF-style: chr12-122064715-C-G.
Identifiers: ClinVar variation 3356035 (VCV003356035.1).